The following is an entry in ClinVar:

NM_001330260.2(SCN8A):c.2394G>A (p.Ala798=)

Gene: SCN8A (sodium voltage-gated channel alpha subunit 8; plus strand). Cytogenetic location: 12q13.13.
Variant type: single nucleotide variant.
Coding change: c.2394G>A on transcript NM_001330260.2 (MANE Select); coding-DNA position 2394, G replaced by A.
Protein change: p.Ala798=; no amino-acid change (alanine 798 retained).
Molecular consequence: synonymous variant.
Genome position (GRCh38, 1-based): chr12:51,762,526, G>A. VCF-style: chr12-51762526-G-A. GRCh37 (hg19) VCF-style: chr12-52156310-G-A.
Other names: c.2394G>A, p.Ala798= (NM_001177984.3, NM_001369788.1, NM_014191.4).
Identifiers: ClinVar variation 698300 (VCV000698300.37), dbSNP rs201392695, ClinGen allele CA6571473.

ClinVar aggregate classification (germline): Benign/Likely benign. Review status: criteria provided, multiple submitters, no conflicts (2 of 4 stars). 3 submissions from 3 submitters: Benign (1); Likely benign (2). Last evaluated 2025-09-24.

Conditions:
Early-infantile DEE. Also called: Ohtahara syndrome; Early infantile epileptic encephalopathy with suppression bursts; Early infantile epileptic encephalopathy. Identifiers: Orphanet 1934, MedGen C0393706, MONDO:0800491.

Allele frequency attached by ClinVar (database versions not stated): gnomAD exomes 0.00002 and 0.00005; ExAC 0.00005; gnomAD 0.00014; TOPMed 0.00014; 1000 Genomes Project 30x 0.00016; ESP Exome Variant Server 0.00017; 1000 Genomes Project 0.00020.
gnomAD v4.1: 49 of 1,613,136 alleles (0.003%); highest among the groups gnomAD compares: African/African-American, 0.041%; no homozygotes.

Submissions (3):

Labcorp Genetics (formerly Invitae), Labcorp
Classification: Benign for Early-infantile DEE. Last evaluated: 2025-09-24. Review status: criteria provided, single submitter. Criteria: Invitae Variant Classification Sherloc (09022015). Collection method: clinical testing. Allele origin: germline.

CeGaT Center for Human Genetics Tuebingen
Classification: Likely benign. Last evaluated: 2023-08-01. Review status: criteria provided, single submitter. Criteria: CeGaT Center For Human Genetics Tuebingen Variant Classification Criteria Version 2. Collection method: clinical testing. Allele origin: germline. Affected: yes. Observed: 1 variant allele.
Comment: SCN8A: BP4, BP7

GeneDx
Classification: Likely benign. Last evaluated: 2018-06-25. Review status: criteria provided, single submitter. Criteria: GeneDx Variant Classification Process June 2021. Collection method: clinical testing. Allele origin: germline. Affected: yes.